The following is an entry in ClinVar:

ClinVar aggregate classification (germline): Uncertain significance (1 of 4 stars; one submission).

gnomAD v4.1: 6 of 1,613,940 alleles (0.00037%); highest among the groups gnomAD compares: Non-Finnish European, 0.00051%; no homozygotes.

Submission:

Labcorp Genetics (formerly Invitae), Labcorp
Classification: Uncertain significance. Last evaluated: 2022-09-01. Review status: criteria provided, single submitter. Criteria: Invitae Variant Classification Sherloc (09022015). Collection method: clinical testing. Allele origin: germline.
Comment: This sequence change replaces arginine, which is basic and polar, with leucine, which is neutral and non-polar, at codon 1338 of the MYO7A protein (p.Arg1338Leu). This variant is not present in population databases (gnomAD no frequency). This variant has not been reported in the literature in individuals affected with MYO7A-related conditions. ClinVar contains an entry for this variant (Variation ID: 1517584). Advanced modeling of protein sequence and biophysical properties (such as structural, functional, and spatial information, amino acid conservation, physicochemical variation, residue mobility, and thermodynamic stability) performed at Invitae indicates that this missense variant is not expected to disrupt MYO7A protein function. In summary, the available evidence is currently insufficient to determine the role of this variant in disease. Therefore, it has been classified as a Variant of Uncertain Significance.

NM_000260.4(MYO7A):c.4013G>T (p.Arg1338Leu)

Gene: MYO7A (myosin VIIA; plus strand). Cytogenetic location: 11q13.5.
Variant type: single nucleotide variant.
Coding change: c.4013G>T on transcript NM_000260.4 (MANE Select); coding-DNA position 4013, G replaced by T.
Protein change: p.Arg1338Leu; replaces arginine 1338 with leucine.
Molecular consequence: missense variant.
Genome position (GRCh38, 1-based): chr11:77,192,139, G>T. VCF-style: chr11-77192139-G-T. GRCh37 (hg19) VCF-style: chr11-76903184-G-T.
Other names: c.4013G>T, p.Arg1338Leu (NM_001127180.2); c.3980G>T, p.Arg1327Leu (NM_001369365.1); short protein forms R1327L, R1338L.
Identifiers: ClinVar variation 1517584 (VCV001517584.3), dbSNP rs778477059, ClinGen allele CA224846231.